The following is an entry in ClinVar:

ClinVar aggregate classification (germline): Uncertain significance (1 of 4 stars; one submission).

Conditions:
Bloom syndrome (BLM). Also called: Bloom-Torre-Machacek syndrome. Identifiers: Orphanet 125, MedGen C0005859, MONDO:0008876, OMIM 210900.

Submission:

Labcorp Genetics (formerly Invitae), Labcorp
Classification: Uncertain significance for Bloom syndrome. Last evaluated: 2021-12-08. Review status: criteria provided, single submitter. Criteria: Invitae Variant Classification Sherloc (09022015). Collection method: clinical testing. Allele origin: germline.
Comment: In summary, the available evidence is currently insufficient to determine the role of this variant in disease. Therefore, it has been classified as a Variant of Uncertain Significance. Algorithms developed to predict the effect of missense changes on protein structure and function are either unavailable or do not agree on the potential impact of this missense change (SIFT: "Deleterious"; PolyPhen-2: "Probably Damaging"; Align-GVGD: "Class C0"). This variant has not been reported in the literature in individuals affected with BLM-related conditions. This variant is not present in population databases (gnomAD no frequency). This sequence change replaces arginine, which is basic and polar, with leucine, which is neutral and non-polar, at codon 404 of the BLM protein (p.Arg404Leu).

NM_000057.4(BLM):c.1211G>T (p.Arg404Leu)

Gene: BLM (BLM RecQ like helicase; plus strand). Cytogenetic location: 15q26.1.
Variant type: single nucleotide variant.
Coding change: c.1211G>T on transcript NM_000057.4 (MANE Select); coding-DNA position 1211, G replaced by T.
Protein change: p.Arg404Leu; replaces arginine 404 with leucine.
Molecular consequence: missense variant.
Genome position (GRCh38, 1-based): chr15:90,760,270, G>T. VCF-style: chr15-90760270-G-T. GRCh37 (hg19) VCF-style: chr15-91303500-G-T.
Other names: c.1211G>T, p.Arg404Leu (NM_001287246.2, NM_001287247.2); c.86G>T, p.Arg29Leu (NM_001287248.2); short protein forms R404L, R29L.
Identifiers: ClinVar variation 1402634 (VCV001402634.6), dbSNP rs776516663, ClinGen allele CA393842559.